The following is an entry in ClinVar:

ClinVar aggregate classification (germline): Uncertain significance (1 of 4 stars; one submission).

Conditions:
Early-infantile DEE. Also called: Early infantile epileptic encephalopathy with suppression bursts; Early infantile epileptic encephalopathy; Ohtahara syndrome. Identifiers: Orphanet 1934, MedGen C0393706, MONDO:0800491.

Submission:

Labcorp Genetics (formerly Invitae), Labcorp
Classification: Uncertain significance for Early-infantile DEE. Last evaluated: 2025-08-18. Review status: criteria provided, single submitter. Criteria: Invitae Variant Classification Sherloc (09022015). Collection method: clinical testing. Allele origin: germline.
Comment: This sequence change replaces isoleucine, which is neutral and non-polar, with valine, which is neutral and non-polar, at codon 1137 of the SCN8A protein (p.Ile1137Val). This variant is not present in population databases (gnomAD no frequency). This variant has not been reported in the literature in individuals affected with SCN8A-related conditions. ClinVar contains an entry for this variant (Variation ID: 2711810). Invitae Evidence Modeling of protein sequence and biophysical properties (such as structural, functional, and spatial information, amino acid conservation, physicochemical variation, residue mobility, and thermodynamic stability) indicates that this missense variant is not expected to disrupt SCN8A protein function with a negative predictive value of 95%. In summary, the available evidence is currently insufficient to determine the role of this variant in disease. Therefore, it has been classified as a Variant of Uncertain Significance.

NM_001330260.2(SCN8A):c.3409A>G (p.Ile1137Val)

Gene: SCN8A (sodium voltage-gated channel alpha subunit 8; plus strand). Cytogenetic location: 12q13.13.
Variant type: single nucleotide variant.
Coding change: c.3409A>G on transcript NM_001330260.2 (MANE Select); coding-DNA position 3409, A replaced by G.
Protein change: p.Ile1137Val; replaces isoleucine 1137 with valine.
Molecular consequence: missense variant.
Genome position (GRCh38, 1-based): chr12:51,769,904, A>G. VCF-style: chr12-51769904-A-G. GRCh37 (hg19) VCF-style: chr12-52163688-A-G.
Other names: c.3409A>G, p.Ile1137Val (NM_001177984.3, NM_001369788.1, NM_014191.4); short protein forms I1137V.
Identifiers: ClinVar variation 2711810 (VCV002711810.3), dbSNP rs1942897693, ClinGen allele CA384895205.